The following is an entry in ClinVar:

NM_005592.4(MUSK):c.754-6T>A

Gene: MUSK (muscle associated receptor tyrosine kinase; plus strand). Cytogenetic location: 9q31.3.
Variant type: single nucleotide variant.
Coding change: c.754-6T>A on transcript NM_005592.4 (MANE Select); 6 bases into the intron before coding-DNA position 754, T replaced by A.
Molecular consequence: intron variant.
Genome position (GRCh38, 1-based): chr9:110,747,635, T>A. VCF-style: chr9-110747635-T-A. GRCh37 (hg19) VCF-style: chr9-113509915-T-A.
Other names: c.784-6T>A (NM_001166280.2); c.754-6T>A (NM_001166281.2); c.-483-6T>A (NM_001369398.1).
Identifiers: ClinVar variation 639738 (VCV000639738.1), dbSNP rs762500701, ClinGen allele CA5184178.

ClinVar aggregate classification (germline): Uncertain significance (1 of 4 stars; one submission).

Conditions:
Fetal akinesia deformation sequence 1 (FADS1). Also called: Fetal akinesia sequence; Pena-Shokeir syndrome type I. Identifiers: Orphanet 994, MedGen C1276035, MONDO:0100101, OMIM 208150, HP:0001989.
Congenital myasthenic syndrome 9. Also called: Myasthenic syndrome, congenital, 9, associated with acetylcholine receptor deficiency. Identifiers: Orphanet 590, MedGen C4225368, MONDO:0014587, OMIM 616325.

Allele frequency attached by ClinVar (database versions not stated): gnomAD exomes 0.00001 and 0.00003; ExAC 0.00003; TOPMed 0.00003.
gnomAD v4.1: 5 of 1,607,878 alleles (0.00031%); highest among the groups gnomAD compares: East Asian, 0.0089%; no homozygotes.

Submission:

Labcorp Genetics (formerly Invitae), Labcorp
Classification: Uncertain significance for Myasthenic syndrome, congenital, 9, associated with acetylcholine receptor deficiency; Pena-Shokeir syndrome type I. Last evaluated: 2018-09-19. Review status: criteria provided, single submitter. Criteria: Invitae Variant Classification Sherloc (09022015). Collection method: clinical testing. Allele origin: germline.
Comment: This sequence change falls in intron 6 of the MUSK gene. It does not directly change the encoded amino acid sequence of the MUSK protein. This variant is present in population databases (rs762500701, ExAC 0.03%). This variant has not been reported in the literature in individuals with MUSK-related disease. Algorithms developed to predict the effect of sequence changes on RNA splicing suggest that this variant may disrupt the consensus splice site, but this prediction has not been confirmed by published transcriptional studies. In summary, the available evidence is currently insufficient to determine the role of this variant in disease. Therefore, it has been classified as a Variant of Uncertain Significance.